The following is an entry in ClinVar:

NM_001369.3(DNAH5):c.11072G>C (p.Arg3691Thr)

Gene: DNAH5 (dynein axonemal heavy chain 5; minus strand). Cytogenetic location: 5p15.2.
Variant type: single nucleotide variant.
Coding change: c.11072G>C on transcript NM_001369.3 (MANE Select); coding-DNA position 11072, G replaced by C.
Protein change: p.Arg3691Thr; replaces arginine 3691 with threonine.
Molecular consequence: missense variant.
Genome position (GRCh38, 1-based): chr5:13,751,217, C>G on the plus strand (G>C on the coding strand, the complement: DNAH5 is on the minus strand). VCF-style: chr5-13751217-C-G. GRCh37 (hg19) VCF-style: chr5-13751326-C-G.
Other names: short protein forms R3691T.
Identifiers: ClinVar variation 2196032 (VCV002196032.1), dbSNP rs777472272, ClinGen allele CA359189243.

ClinVar aggregate classification (germline): Uncertain significance (1 of 4 stars; one submission).

Conditions:
Primary ciliary dyskinesia. Also called: Ciliary dyskinesia. Identifiers: Orphanet 244, MedGen C0008780, MONDO:0016575, HP:0012265.

Allele frequency attached by ClinVar (database versions not stated): TOPMed below 0.00001; gnomAD exomes 0.00001.
gnomAD v4.1: 16 of 1,613,798 alleles (0.00099%); highest among the groups gnomAD compares: African/African-American, 0.0013%; no homozygotes.

Submission:

Labcorp Genetics (formerly Invitae), Labcorp
Classification: Uncertain significance for Primary ciliary dyskinesia. Last evaluated: 2022-07-13. Review status: criteria provided, single submitter. Criteria: Invitae Variant Classification Sherloc (09022015). Collection method: clinical testing. Allele origin: germline.
Comment: This sequence change replaces arginine, which is basic and polar, with threonine, which is neutral and polar, at codon 3691 of the DNAH5 protein (p.Arg3691Thr). This variant is present in population databases (no rsID available, gnomAD 0.0009%). This variant has not been reported in the literature in individuals affected with DNAH5-related conditions. Advanced modeling of protein sequence and biophysical properties (such as structural, functional, and spatial information, amino acid conservation, physicochemical variation, residue mobility, and thermodynamic stability) performed at Invitae indicates that this missense variant is not expected to disrupt DNAH5 protein function. In summary, the available evidence is currently insufficient to determine the role of this variant in disease. Therefore, it has been classified as a Variant of Uncertain Significance.